The following is an entry in ClinVar:

NM_014336.5(AIPL1):c.*606G>A

Gene: AIPL1 (AIP like 1 HSP90 co-chaperone; minus strand). Cytogenetic location: 17p13.2.
Variant type: single nucleotide variant.
Coding change: c.*606G>A on transcript NM_014336.5 (MANE Select); 606 bases downstream of the stop codon, G replaced by A.
Molecular consequence: 3 prime UTR variant.
Genome position (GRCh38, 1-based): chr17:6,424,854, C>T on the plus strand (G>A on the coding strand, the complement: AIPL1 is on the minus strand). VCF-style: chr17-6424854-C-T. GRCh37 (hg19) VCF-style: chr17-6328174-C-T.
Other names: c.*606G>A (NM_001033054.3, NM_001033055.3, NM_001285399.3 and 3 more transcripts).
Identifiers: ClinVar variation 324594 (VCV000324594.7), dbSNP rs10852881, ClinGen allele CA10646485.
Genomic context (GRCh38, chr17:6,424,854, plus strand): 5'-ACCTCAGGTGATCCACCCGCCTCGGCCTCCCAAAGTGCTGGGATTATAGGCGTGAGCCAC[C>T]GTGCCCGACCACAGCTGTTTTCTTCTACCCTACCACTGGCGCTTGCCTTTGAAATCTTTC-3'

ClinVar aggregate classification (germline): Benign/Likely benign. Review status: criteria provided, multiple submitters, no conflicts (2 of 4 stars). 3 submissions from 2 submitters: Benign (2); Likely benign (1). Last evaluated 2018-01-13.

Conditions:
Retinitis pigmentosa (RP). Identifiers: Orphanet 791, MedGen C0035334, MeSH D012174, MONDO:0019200, OMIM 268000. Inheritance: Autosomal dominant, autosomal recessive and X linked inheritance.
Leber congenital amaurosis 4 (LCA4). Identifiers: MedGen C1858386, MONDO:0011458, OMIM 604393.

Allele frequency attached by ClinVar (database versions not stated): 1000 Genomes Project 30x 0.61290; 1000 Genomes Project 0.61562; gnomAD 0.63496 and 0.63926; TOPMed 0.63798; gnomAD exomes 0.73171.
gnomAD v4.1: 97,383 of 152,160 alleles (64%); highest among the groups gnomAD compares: Middle Eastern, 86%; 32,136 homozygotes.

Submissions (3):

Illumina Laboratory Services, Illumina
Classification: Benign for Retinitis pigmentosa. Last evaluated: 2018-01-13. Review status: criteria provided, single submitter. Criteria: ICSL Variant Classification Criteria 13 December 2019. Collection method: clinical testing. Allele origin: germline.
Comment: This variant was observed in the ICSL laboratory as part of a predisposition screen in an ostensibly healthy population. It had not been previously curated by ICSL or reported in the Human Gene Mutation Database (HGMD: prior to June 1st, 2018), and was therefore a candidate for classification through an automated scoring system. Utilizing variant allele frequency, disease prevalence and penetrance estimates, and inheritance mode, an automated score was calculated to assess if this variant is too frequent to cause the disease. Based on the score and internal cut-off values, a variant classified as benign is not then subjected to further curation. The score for this variant resulted in a classification of benign for this disease.

Illumina Laboratory Services, Illumina
Classification: Benign for Leber congenital amaurosis 4. Last evaluated: 2018-01-13. Review status: criteria provided, single submitter. Criteria: ICSL Variant Classification Criteria 13 December 2019. Collection method: clinical testing. Allele origin: germline.
Comment: the same text as in the submission from Illumina Laboratory Services, Illumina above.

Breakthrough Genomics
Classification: Likely benign. Review status: criteria provided, single submitter. Criteria: ACMG Guidelines, 2015. Collection method: not provided. Allele origin: germline. Inheritance: Autosomal recessive inheritance. Affected: yes.